The following is an entry in ClinVar:

NM_001844.5(COL2A1):c.610-7G>A

Gene: COL2A1 (collagen type II alpha 1 chain; minus strand). Cytogenetic location: 12q13.11.
Variant type: single nucleotide variant.
Coding change: c.610-7G>A on transcript NM_001844.5 (MANE Select); 7 bases into the intron before coding-DNA position 610, G replaced by A.
Molecular consequence: intron variant.
Genome position (GRCh38, 1-based): chr12:47,995,926, C>T on the plus strand (G>A on the coding strand, the complement: COL2A1 is on the minus strand). VCF-style: chr12-47995926-C-T. GRCh37 (hg19) VCF-style: chr12-48389709-C-T.
Other names: c.403-7G>A (NM_033150.3).
Identifiers: ClinVar variation 308933 (VCV000308933.40), dbSNP rs7967258, ClinGen allele CA6535864.

ClinVar aggregate classification (germline): Benign/Likely benign. Review status: criteria provided, multiple submitters, no conflicts (2 of 4 stars). 13 submissions from 12 submitters: Benign (9); Likely benign (1). 3 of the submissions do not count toward it. Last evaluated 2026-05-11.

Conditions:
Stickler syndrome type 1 (STL1). Also called: COL2A1-Related Stickler Syndrome; ARTHROOPHTHALMOPATHY, HEREDITARY PROGRESSIVE; STICKLER SYNDROME, MEMBRANOUS VITREOUS TYPE; STICKLER SYNDROME, VITREOUS TYPE 1. Identifiers: Orphanet 828, Orphanet 90653, MedGen C2020284, MONDO:0007160, OMIM 108300.
Connective tissue disorder. Also called: Connective tissue disease. Identifiers: MedGen C0009782, MONDO:0003900.
Type 2 collagenopathy. Identifiers: Orphanet 93421, MedGen C2931073, MONDO:0022800.

Allele frequency attached by ClinVar (database versions not stated): gnomAD exomes 0.00497 and 0.00843; ExAC 0.00885; gnomAD 0.01828 and 0.01915; 1000 Genomes Project 0.01897; 1000 Genomes Project 30x 0.01905; TOPMed 0.02089; ESP Exome Variant Server 0.02168.
gnomAD v4.1: 10,265 of 1,612,076 alleles (0.64%); highest among the groups gnomAD compares: African/African-American, 5.3%; 163 homozygotes.

Submissions (13):

Women's Health and Genetics/Laboratory Corporation of America, LabCorp
Classification: Benign. Last evaluated: 2026-05-11. Review status: criteria provided, single submitter. Criteria: LabCorp Variant Classification Summary - May 2015. Collection method: clinical testing. Allele origin: germline.

Labcorp Genetics (formerly Invitae), Labcorp
Classification: Benign. Last evaluated: 2026-02-02. Review status: criteria provided, single submitter. Criteria: Invitae Variant Classification Sherloc (09022015). Collection method: clinical testing. Allele origin: germline.

ARUP Laboratories, Molecular Genetics and Genomics, ARUP Laboratories
Classification: Benign. Last evaluated: 2025-05-02. Review status: criteria provided, single submitter. Criteria: ARUP Molecular Germline Variant Investigation Process 2024. Collection method: clinical testing. Allele origin: germline.

Blueprint Genetics
Classification: Likely benign. Last evaluated: 2024-11-25. Review status: criteria provided, single submitter. Criteria: ACMG Guidelines, 2015. Collection method: clinical testing. Allele origin: germline.

Genome Diagnostics Laboratory, The Hospital for Sick Children
Classification: Benign for Connective tissue disorder. Last evaluated: 2020-11-13. Review status: criteria provided, single submitter. Criteria: ACMG Guidelines, 2015. Collection method: clinical testing. Allele origin: germline.

Athena Diagnostics
Classification: Benign. Last evaluated: 2018-12-06. Review status: criteria provided, single submitter. Criteria: Athena Diagnostics Criteria. Collection method: clinical testing. Allele origin: germline.

Illumina Laboratory Services, Illumina
Classification: Benign for Stickler syndrome type 1. Last evaluated: 2018-01-13. Review status: criteria provided, single submitter. Criteria: ICSL Variant Classification Criteria 13 December 2019. Collection method: clinical testing. Allele origin: germline.
Comment: This variant was observed in the ICSL laboratory as part of a predisposition screen in an ostensibly healthy population. It had not been previously curated by ICSL or reported in the Human Gene Mutation Database (HGMD: prior to June 1st, 2018), and was therefore a candidate for classification through an automated scoring system. Utilizing variant allele frequency, disease prevalence and penetrance estimates, and inheritance mode, an automated score was calculated to assess if this variant is too frequent to cause the disease. Based on the score and internal cut-off values, a variant classified as benign is not then subjected to further curation. The score for this variant resulted in a classification of benign for this disease.

Illumina Laboratory Services, Illumina
Classification: Benign for Type II Collagenopathies. Last evaluated: 2018-01-13. Review status: criteria provided, single submitter. Criteria: ICSL Variant Classification Criteria 13 December 2019. Collection method: clinical testing. Allele origin: germline.
Comment: the same text as in the submission from Illumina Laboratory Services, Illumina above.

GeneDx
Classification: Benign. Last evaluated: 2016-10-30. Review status: criteria provided, single submitter. Criteria: GeneDx Variant Classification (06012015). Collection method: clinical testing. Allele origin: germline. Affected: yes.
Comment: This variant is considered likely benign or benign based on one or more of the following criteria: it is a conservative change, it occurs at a poorly conserved position in the protein, it is predicted to be benign by multiple in silico algorithms, and/or has population frequency not consistent with disease.

Breakthrough Genomics
Classification: Benign. Review status: criteria provided, single submitter. Criteria: ACMG Guidelines, 2015. Collection method: not provided. Allele origin: germline. Inheritance: Autosomal dominant inheritance. Affected: yes.

Genome Diagnostics Laboratory, Amsterdam University Medical Center
Classification: Benign. Review status: no assertion criteria provided. Collection method: clinical testing. Allele origin: germline. Affected: yes. Study: VKGL Data-share Consensus. Not counted in ClinVar's aggregate classification.

Joint Genome Diagnostic Labs from Nijmegen and Maastricht, Radboudumc and MUMC+
Classification: Benign. Review status: no assertion criteria provided. Collection method: clinical testing. Allele origin: germline. Affected: yes. Study: VKGL Data-share Consensus. Not counted in ClinVar's aggregate classification.

Laboratory of Diagnostic Genome Analysis, Leiden University Medical Center (LUMC)
Classification: Likely benign. Review status: no assertion criteria provided. Collection method: clinical testing. Allele origin: germline. Affected: yes. Study: VKGL Data-share Consensus. Not counted in ClinVar's aggregate classification.